The following is an entry in ClinVar:

ClinVar aggregate classification (germline): Likely pathogenic (1 of 4 stars; one submission).

Conditions:
MYCN-related disorder. Also called: MYCN-related condition.

Submission:

PreventionGenetics, part of Exact Sciences
Classification: Likely pathogenic for MYCN-related condition. Last evaluated: 2022-10-11. Review status: criteria provided, single submitter. Criteria: ACMG Guidelines, 2015. Collection method: clinical testing. Allele origin: germline.
Comment: The MYCN c.901delG variant is predicted to result in a frameshift and premature protein termination (p.Val301Cysfs*18). To our knowledge, this variant has not been reported in the literature or in a large population database, indicating this variant is rare. Frameshift variants in MYCN are expected to be pathogenic. This variant is interpreted as likely pathogenic.

NM_005378.6(MYCN):c.901del (p.Val301fs)

Gene: MYCN (MYCN proto-oncogene, bHLH transcription factor; plus strand). Cytogenetic location: 2p24.3.
Variant type: Deletion.
Coding change: c.901del on transcript NM_005378.6 (MANE Select); coding-DNA position 901, one base deleted (G; older notation c.901delG).
Protein change: p.Val301fs; shifts the reading frame from valine 301.
Molecular consequence: frameshift variant. On other transcripts: 3 prime UTR variant (1).
Genome position (GRCh38, 1-based): chr2:15,945,603, G deleted. VCF-style (leftmost placement, unchanged base first): chr2-15945602-TG-T. GRCh37 (hg19) VCF-style: chr2-16085724-TG-T.
Other names: c.901del, p.Val301fs (NM_001293228.2); c.268del, p.Val90fs (NM_001293231.2); c.*836del (NM_001293233.2); short protein forms V301fs, V90fs.
Identifiers: ClinVar variation 2637010 (VCV002637010.1), dbSNP rs2527936786, ClinGen allele CA2695200426.